The following is an entry in ClinVar:

NM_003906.5(MCM3AP):c.3619C>T (p.Arg1207Cys)

Gene: MCM3AP (minichromosome maintenance complex component 3 associated protein; minus strand). Cytogenetic location: 21q22.3.
Variant type: single nucleotide variant.
Coding change: c.3619C>T on transcript NM_003906.5 (MANE Select); coding-DNA position 3619, C replaced by T.
Protein change: p.Arg1207Cys; replaces arginine 1207 with cysteine.
Molecular consequence: missense variant.
Genome position (GRCh38, 1-based): chr21:46,259,054, G>A on the plus strand (C>T on the coding strand, the complement: MCM3AP is on the minus strand). VCF-style: chr21-46259054-G-A. GRCh37 (hg19) VCF-style: chr21-47678968-G-A.
Other names: short protein forms R1207C.
Identifiers: ClinVar variation 1490702 (VCV001490702.3), dbSNP rs565059756, ClinGen allele CA10076430.
Genomic context (GRCh38, chr21:46,259,054, plus strand): 5'-GGAAGATTTCCTCCACGAGAAACAAGTCCACTAAGTGGGCACAGACATCCTCACAGCAAC[G>A]GGCCACACGGACCCTCTGGTCTGTCTCTACTGCATTCCTAGAAACAGGGCAATCAGCATG-3'
Protein context (NP_003897.2, residues 1197-1217): VETDQRVRVA[Arg1207Cys]CCEDVCAHLV

ClinVar aggregate classification (germline): Uncertain significance (1 of 4 stars; one submission).

Allele frequency attached by ClinVar (database versions not stated): gnomAD 0.00002 and 0.00003; TOPMed 0.00002; ExAC 0.00003; gnomAD exomes 0.00003.
gnomAD v4.1: 52 of 1,613,830 alleles (0.0032%); highest among the groups gnomAD compares: Middle Eastern, 0.016%; 1 homozygote.

Submission:

Labcorp Genetics (formerly Invitae), Labcorp
Classification: Uncertain significance. Last evaluated: 2022-10-04. Review status: criteria provided, single submitter. Criteria: Invitae Variant Classification Sherloc (09022015). Collection method: clinical testing. Allele origin: germline.
Comment: This sequence change replaces arginine, which is basic and polar, with cysteine, which is neutral and slightly polar, at codon 1207 of the MCM3AP protein (p.Arg1207Cys). This variant is present in population databases (rs565059756, gnomAD 0.01%). This variant has not been reported in the literature in individuals affected with MCM3AP-related conditions. ClinVar contains an entry for this variant (Variation ID: 1490702). Algorithms developed to predict the effect of missense changes on protein structure and function (SIFT, PolyPhen-2, Align-GVGD) all suggest that this variant is likely to be disruptive. In summary, the available evidence is currently insufficient to determine the role of this variant in disease. Therefore, it has been classified as a Variant of Uncertain Significance.